The following is an entry in ClinVar:

NM_080680.3(COL11A2):c.221A>C (p.Gln74Pro)

Gene: COL11A2 (collagen type XI alpha 2 chain; minus strand). Cytogenetic location: 6p21.32.
Variant type: single nucleotide variant.
Coding change: c.221A>C on transcript NM_080680.3 (MANE Select); coding-DNA position 221, A replaced by C.
Protein change: p.Gln74Pro; replaces glutamine 74 with proline.
Molecular consequence: missense variant. On other transcripts: 5 prime UTR variant (3), non-coding transcript variant (1).
Genome position (GRCh38, 1-based): chr6:33,189,331, T>G on the plus strand (A>C on the coding strand, the complement: COL11A2 is on the minus strand). VCF-style: chr6-33189331-T-G. GRCh37 (hg19) VCF-style: chr6-33157108-T-G.
Other names: c.221A>C, p.Gln74Pro (NM_001163771.2, NM_001424108.1, NM_080679.3 and 1 more transcripts); c.-626A>C (NM_001424109.1, NM_001424110.1, NM_001424111.1); short protein forms Q74P.
Identifiers: ClinVar variation 2777837 (VCV002777837.3), dbSNP rs1209329811, ClinGen allele CA363613040.

ClinVar aggregate classification (germline): Uncertain significance (1 of 4 stars; one submission).

Allele frequency attached by ClinVar (database versions not stated): gnomAD exomes below 0.00001.
gnomAD v4.1: 2 of 1,613,696 alleles (0.00012%); highest among the groups gnomAD compares: East Asian, 0.0045%; no homozygotes.

Submission:

Labcorp Genetics (formerly Invitae), Labcorp
Classification: Uncertain significance. Last evaluated: 2022-12-03. Review status: criteria provided, single submitter. Criteria: Invitae Variant Classification Sherloc (09022015). Collection method: clinical testing. Allele origin: germline.
Comment: In summary, the available evidence is currently insufficient to determine the role of this variant in disease. Therefore, it has been classified as a Variant of Uncertain Significance. Advanced modeling of protein sequence and biophysical properties (such as structural, functional, and spatial information, amino acid conservation, physicochemical variation, residue mobility, and thermodynamic stability) performed at Invitae indicates that this missense variant is not expected to disrupt COL11A2 protein function. This variant has not been reported in the literature in individuals affected with COL11A2-related conditions. This variant is present in population databases (no rsID available, gnomAD 0.01%). This sequence change replaces glutamine, which is neutral and polar, with proline, which is neutral and non-polar, at codon 74 of the COL11A2 protein (p.Gln74Pro).